The following is an entry in ClinVar:

ClinVar aggregate classification (germline): Uncertain significance. Review status: criteria provided, multiple submitters, no conflicts (2 of 4 stars). 2 submissions from 2 submitters: Uncertain significance (2). Last evaluated 2025-12-16.

Conditions:
Agammaglobulinemia 2, autosomal recessive (AGM2). Also called: AGAMMAGLOBULINEMIA, AUTOSOMAL RECESSIVE, DUE TO IGLL1 DEFECT. Identifiers: MedGen C3150750, MONDO:0013287, OMIM 613500.

Allele frequency attached by ClinVar (database versions not stated): ExAC 0.00001; gnomAD 0.00001.

Submissions (2):

Ambry Genetics
Classification: Uncertain significance. Last evaluated: 2025-12-16. Review status: criteria provided, single submitter. Criteria: Ambry Variant Classification Scheme 2023. Collection method: clinical testing. Allele origin: germline.

Labcorp Genetics (formerly Invitae), Labcorp
Classification: Uncertain significance for Agammaglobulinemia 2, autosomal recessive. Last evaluated: 2025-07-13. Review status: criteria provided, single submitter. Criteria: Invitae Variant Classification Sherloc (09022015). Collection method: clinical testing. Allele origin: germline.
Comment: This sequence change replaces leucine, which is neutral and non-polar, with arginine, which is basic and polar, at codon 179 of the IGLL1 protein (p.Leu179Arg). This variant is not present in population databases (gnomAD no frequency). This variant has not been reported in the literature in individuals affected with IGLL1-related conditions. ClinVar contains an entry for this variant (Variation ID: 2739614). An algorithm developed to predict the effect of missense changes on protein structure and function (PolyPhen-2) suggests that this variant is likely to be disruptive. In summary, the available evidence is currently insufficient to determine the role of this variant in disease. Therefore, it has been classified as a Variant of Uncertain Significance.

NM_020070.4(IGLL1):c.536T>G (p.Leu179Arg)

Gene: IGLL1 (immunoglobulin lambda like polypeptide 1; minus strand). Cytogenetic location: 22q11.23.
Variant type: single nucleotide variant.
Coding change: c.536T>G on transcript NM_020070.4 (MANE Select); coding-DNA position 536, T replaced by G.
Protein change: p.Leu179Arg; replaces leucine 179 with arginine.
Molecular consequence: missense variant. On other transcripts: 3 prime UTR variant (1).
Genome position (GRCh38, 1-based): chr22:23,573,372, A>C on the plus strand (T>G on the coding strand, the complement: IGLL1 is on the minus strand). VCF-style: chr22-23573372-A-C. GRCh37 (hg19) VCF-style: chr22-23915559-A-C.
Other names: c.*165T>G (NM_152855.3); c.539T>G, p.Leu180Arg (NM_001369906.1); short protein forms L179R, L180R.
Identifiers: ClinVar variation 2739614 (VCV002739614.4), dbSNP rs773147191, ClinGen allele CA10143237.